The following is an entry in ClinVar:

NM_170784.3(MKKS):c.1037G>A (p.Ser346Asn)

Gene: MKKS (MKKS centrosomal shuttling protein; minus strand). Cytogenetic location: 20p12.2.
Variant type: single nucleotide variant.
Coding change: c.1037G>A on transcript NM_170784.3 (MANE Select); coding-DNA position 1037, G replaced by A.
Protein change: p.Ser346Asn; replaces serine 346 with asparagine.
Molecular consequence: missense variant. On other transcripts: non-coding transcript variant (1).
Genome position (GRCh38, 1-based): chr20:10,408,752, C>T on the plus strand (G>A on the coding strand, the complement: MKKS is on the minus strand). VCF-style: chr20-10408752-C-T. GRCh37 (hg19) VCF-style: chr20-10389400-C-T.
Other names: c.1037G>A, p.Ser346Asn (NM_018848.3); short protein forms S346N.
Identifiers: ClinVar variation 2068062 (VCV002068062.1), dbSNP rs2514490673, ClinGen allele CA408231807.

ClinVar aggregate classification (germline): Uncertain significance (1 of 4 stars; one submission).

Conditions:
McKusick-Kaufman syndrome (MKKS). Also called: HYDROMETROCOLPOS SYNDROME; HYDROMETROCOLPOS, POSTAXIAL POLYDACTYLY, AND CONGENITAL HEART MALFORMATION. Identifiers: Orphanet 2473, MedGen C0948368, MONDO:0009367, OMIM 236700.
Bardet-Biedl syndrome (BBS). Identifiers: Orphanet 110, MedGen C0752166, MONDO:0015229.

Submission:

Labcorp Genetics (formerly Invitae), Labcorp
Classification: Uncertain significance for McKusick-Kaufman syndrome; Bardet-Biedl syndrome. Last evaluated: 2022-01-03. Review status: criteria provided, single submitter. Criteria: Invitae Variant Classification Sherloc (09022015). Collection method: clinical testing. Allele origin: germline.
Comment: This sequence change replaces serine, which is neutral and polar, with asparagine, which is neutral and polar, at codon 346 of the MKKS protein (p.Ser346Asn). This variant is not present in population databases (gnomAD no frequency). This variant has not been reported in the literature in individuals affected with MKKS-related conditions. Algorithms developed to predict the effect of missense changes on protein structure and function output the following: SIFT: "Deleterious"; PolyPhen-2: "Benign"; Align-GVGD: "Class C45". The asparagine amino acid residue is found in multiple mammalian species, which suggests that this missense change does not adversely affect protein function. In summary, the available evidence is currently insufficient to determine the role of this variant in disease. Therefore, it has been classified as a Variant of Uncertain Significance.